The following is an entry in ClinVar:

NM_020297.4(ABCC9):c.2517C>A (p.Phe839Leu)

Gene: ABCC9 (ATP binding cassette subfamily C member 9; minus strand). Cytogenetic location: 12p12.1.
Variant type: single nucleotide variant.
Coding change: c.2517C>A on transcript NM_020297.4 (MANE Select); coding-DNA position 2517, C replaced by A.
Protein change: p.Phe839Leu; replaces phenylalanine 839 with leucine.
Molecular consequence: missense variant.
Genome position (GRCh38, 1-based): chr12:21,852,494, G>T on the plus strand (C>A on the coding strand, the complement: ABCC9 is on the minus strand). VCF-style: chr12-21852494-G-T. GRCh37 (hg19) VCF-style: chr12-22005428-G-T.
Other names: c.2517C>A, p.Phe839Leu (NM_001377273.1, NM_005691.4); c.1650C>A, p.Phe550Leu (NM_001377274.1); short protein forms F550L, F839L.
Identifiers: ClinVar variation 4527498 (VCV004527498.1).
Genomic context (GRCh38, chr12:21,852,494, plus strand): 5'-CAGGAATTTCAAAATCCCCTCCTGCATTAAATGATCACTCAAGTGAATGTCCAGGGCTGA[G>T]AATGGATCATCCTGCAATCAGTAAAATGGAGGAAAGATGGACGTTTTCTATACTTGTTAC-3'
Protein context (NP_064693.2, residues 829-849): NTNIVFLDDP[Phe839Leu]SALDIHLSDH

ClinVar aggregate classification (germline): Uncertain significance (1 of 4 stars; one submission).

Submission:

GeneDx
Classification: Uncertain significance. Last evaluated: 2025-04-29. Review status: criteria provided, single submitter. Criteria: GeneDx Variant Classification Process June 2021. Collection method: clinical testing. Allele origin: germline. Affected: yes.
Comment: Not observed at significant frequency in large population cohorts (gnomAD); In silico analysis indicates that this missense variant does not alter protein structure/function; Has not been previously published as pathogenic or benign to our knowledge